The following is an entry in ClinVar:

NM_153033.5(KCTD7):c.*9G>T

Gene: KCTD7 (potassium channel tetramerization domain containing 7; plus strand). Cytogenetic location: 7q11.21.
Variant type: single nucleotide variant.
Coding change: c.*9G>T on transcript NM_153033.5 (MANE Select); 9 bases downstream of the stop codon, G replaced by T.
Molecular consequence: 3 prime UTR variant. On other transcripts: intron variant (1).
Genome position (GRCh38, 1-based): chr7:66,639,241, G>T. VCF-style: chr7-66639241-G-T. GRCh37 (hg19) VCF-style: chr7-66104228-G-T.
Other names: c.866+13G>T (NM_001167961.2).
Identifiers: ClinVar variation 138055 (VCV000138055.8), dbSNP rs116630203, ClinGen allele CA291853.

ClinVar aggregate classification (germline): Benign. Review status: criteria provided, multiple submitters, no conflicts (2 of 4 stars). 4 submissions from 4 submitters: Benign (4). Last evaluated 2024-11-07.

Conditions:
Progressive myoclonic epilepsy type 3. Also called: EPILEPSY, PROGRESSIVE MYOCLONIC, 3, WITHOUT INTRACELLULAR INCLUSIONS; KCTD7-Related Progressive Myoclonic Epilepsy; EPILEPSY, PROGRESSIVE MYOCLONIC, 3, WITH OR WITHOUT INTRACELLULAR INCLUSIONS; CEROID LIPOFUSCINOSIS, NEURONAL, 14. Identifiers: Orphanet 263516, MedGen C2673257, MONDO:0012721, OMIM 611726.

Allele frequency attached by ClinVar (database versions not stated): 1000 Genomes Project 0.00499; 1000 Genomes Project 30x 0.00531; gnomAD 0.00683 and 0.00745; TOPMed 0.00747; ESP Exome Variant Server 0.00907.

Submissions (4):

Athena Diagnostics
Classification: Benign. Last evaluated: 2024-11-07. Review status: criteria provided, single submitter. Criteria: Athena Diagnostics Criteria. Collection method: clinical testing. Allele origin: unknown.

Mayo Clinic Laboratories, Mayo Clinic
Classification: Benign. Last evaluated: 2024-08-02. Review status: criteria provided, single submitter. Criteria: ACMG Guidelines, 2015. Collection method: clinical testing. Allele origin: germline. Observed: 8 variant alleles.
Comment: BA1, BP4, BP7

Illumina Laboratory Services, Illumina
Classification: Benign for Progressive myoclonic epilepsy type 3. Last evaluated: 2018-01-13. Review status: criteria provided, single submitter. Criteria: ICSL Variant Classification Criteria 13 December 2019. Collection method: clinical testing. Allele origin: germline.
Comment: This variant was observed in the ICSL laboratory as part of a predisposition screen in an ostensibly healthy population. It had not been previously curated by ICSL or reported in the Human Gene Mutation Database (HGMD: prior to June 1st, 2018), and was therefore a candidate for classification through an automated scoring system. Utilizing variant allele frequency, disease prevalence and penetrance estimates, and inheritance mode, an automated score was calculated to assess if this variant is too frequent to cause the disease. Based on the score and internal cut-off values, a variant classified as benign is not then subjected to further curation. The score for this variant resulted in a classification of benign for this disease.

GeneDx
Classification: Benign. Last evaluated: 2014-03-03. Review status: criteria provided, single submitter. Criteria: GeneDx Variant Classification (06012015). Collection method: clinical testing. Allele origin: germline. Affected: yes.
Comment: This variant is considered likely benign or benign based on one or more of the following criteria: it is a conservative change, it occurs at a poorly conserved position in the protein, it is predicted to be benign by multiple in silico algorithms, and/or has population frequency not consistent with disease.